The following is an entry in ClinVar:

ClinVar aggregate classification (germline): Uncertain significance (1 of 4 stars; one submission).

Conditions:
Holoprosencephaly 4 (HPE4). Identifiers: Orphanet 2162, MedGen C1840528, MONDO:0007734, OMIM 142946.

Allele frequency attached by ClinVar (database versions not stated): gnomAD exomes below 0.00001 and 0.00001; ExAC 0.00001; gnomAD 0.00003.
gnomAD v4.1: 8 of 1,614,064 alleles (0.0005%); highest among the groups gnomAD compares: African/African-American, 0.0067%; no homozygotes.

Submission:

Labcorp Genetics (formerly Invitae), Labcorp
Classification: Uncertain significance for Holoprosencephaly 4. Last evaluated: 2022-02-10. Review status: criteria provided, single submitter. Criteria: Invitae Variant Classification Sherloc (09022015). Collection method: clinical testing. Allele origin: germline.
Comment: In summary, the available evidence is currently insufficient to determine the role of this variant in disease. Therefore, it has been classified as a Variant of Uncertain Significance. Algorithms developed to predict the effect of missense changes on protein structure and function (SIFT, PolyPhen-2, Align-GVGD) all suggest that this variant is likely to be tolerated. This variant has not been reported in the literature in individuals affected with TGIF1-related conditions. This variant is present in population databases (rs752083381, gnomAD 0.007%). This sequence change replaces serine, which is neutral and polar, with leucine, which is neutral and non-polar, at codon 191 of the TGIF1 protein (p.Ser191Leu).

NM_003244.4(TGIF1):c.572C>T (p.Ser191Leu)

Gene: TGIF1 (TGFB induced factor homeobox 1; plus strand). Cytogenetic location: 18p11.31.
Variant type: single nucleotide variant.
Coding change: c.572C>T on transcript NM_003244.4 (MANE Select); coding-DNA position 572, C replaced by T.
Protein change: p.Ser191Leu; replaces serine 191 with leucine.
Molecular consequence: missense variant.
Genome position (GRCh38, 1-based): chr18:3,457,693, C>T. VCF-style: chr18-3457693-C-T. GRCh37 (hg19) VCF-style: chr18-3457691-C-T.
Other names: c.581C>T, p.Ser194Leu (NM_001278682.2); c.572C>T, p.Ser191Leu (NM_001278684.2, NM_173208.3); c.512C>T, p.Ser171Leu (NM_001278686.3, NM_001374396.1, NM_001374397.1 and 5 more transcripts); c.614C>T, p.Ser205Leu (NM_173207.4); short protein forms S191L, S194L, S205L, S171L.
Identifiers: ClinVar variation 1381331 (VCV001381331.8), dbSNP rs752083381, ClinGen allele CA8875981.
Genomic context (GRCh38, chr18:3,457,693, plus strand): 5'-CAGTGATCTGCCATACCACTGTGACTGCATTGAAAGATGTCCCTTTCTCTCTCTGCCAGT[C>T]GGTCGGTGTGGGACAAAACACAGATATACAGCAGATAGCGGCCAAAAACTTCACAGACAC-3'
Protein context (NP_003235.1, residues 181-201): LKDVPFSLCQ[Ser191Leu]VGVGQNTDIQ